The following is an entry in ClinVar:

NM_002087.4(GRN):c.857T>C (p.Met286Thr)

Gene: GRN (granulin precursor; plus strand). Cytogenetic location: 17q21.31.
Variant type: single nucleotide variant.
Coding change: c.857T>C on transcript NM_002087.4 (MANE Select); coding-DNA position 857, T replaced by C.
Protein change: p.Met286Thr; replaces methionine 286 with threonine.
Molecular consequence: missense variant.
Genome position (GRCh38, 1-based): chr17:44,351,384, T>C. VCF-style: chr17-44351384-T-C. GRCh37 (hg19) VCF-style: chr17-42428752-T-C.
Other names: short protein forms M286T.
Identifiers: ClinVar variation 2194075 (VCV002194075.4), dbSNP rs1382434096, ClinGen allele CA399764855.

ClinVar aggregate classification (germline): Uncertain significance (1 of 4 stars; one submission).

Conditions:
GRN-related frontotemporal lobar degeneration with Tdp43 inclusions (FTD2). Also called: DEMENTIA, HEREDITARY DYSPHASIC DISINHIBITION; FRONTOTEMPORAL LOBAR DEGENERATION WITH UBIQUITIN-POSITIVE INCLUSIONS; FTLD-TDP, GRN-RELATED; GRN Frontotemporal Dementia; FRONTOTEMPORAL DEMENTIA WITH TDP43 INCLUSIONS, GRN-RELATED. Identifiers: Orphanet 100070, Orphanet 282, MedGen C1843792, MONDO:0011842, OMIM 607485. Disease mechanism: loss of function.
Neuronal ceroid lipofuscinosis 11. Also called: GRN-Related Neuronal Ceroid-Lipofuscinosis. Identifiers: Orphanet 314629, Orphanet 79262, MedGen C3539123, MONDO:0013866, OMIM 614706.

Allele frequency attached by ClinVar (database versions not stated): gnomAD 0.00001; gnomAD exomes 0.00001; TOPMed 0.00001.
gnomAD v4.1: 10 of 1,611,216 alleles (0.00062%); highest among the groups gnomAD compares: Non-Finnish European, 0.00076%; no homozygotes.

Submission:

Labcorp Genetics (formerly Invitae), Labcorp
Classification: Uncertain significance for Neuronal ceroid lipofuscinosis 11; GRN-related frontotemporal lobar degeneration with Tdp43 inclusions. Last evaluated: 2022-10-15. Review status: criteria provided, single submitter. Criteria: Invitae Variant Classification Sherloc (09022015). Collection method: clinical testing. Allele origin: germline.
Comment: In summary, the available evidence is currently insufficient to determine the role of this variant in disease. Therefore, it has been classified as a Variant of Uncertain Significance. Advanced modeling of protein sequence and biophysical properties (such as structural, functional, and spatial information, amino acid conservation, physicochemical variation, residue mobility, and thermodynamic stability) performed at Invitae indicates that this missense variant is not expected to disrupt GRN protein function. This variant has not been reported in the literature in individuals affected with GRN-related conditions. This variant is not present in population databases (gnomAD no frequency). This sequence change replaces methionine, which is neutral and non-polar, with threonine, which is neutral and polar, at codon 286 of the GRN protein (p.Met286Thr).